The following is an entry in ClinVar:

ClinVar aggregate classification (germline): Uncertain significance (1 of 4 stars; one submission).

Conditions:
Hereditary cancer-predisposing syndrome. Also called: Neoplastic Syndromes, Hereditary; Tumor predisposition; Hereditary Cancer Syndrome; Hereditary neoplastic syndrome. Identifiers: Orphanet 140162, MedGen C0027672, MeSH D009386, MONDO:0015356.

Submission:

Ambry Genetics
Classification: Uncertain significance for Hereditary cancer-predisposing syndrome. Last evaluated: 2018-12-14. Review status: criteria provided, single submitter. Criteria: Ambry Variant Classification Scheme 2023. Collection method: clinical testing. Allele origin: germline.
Comment: The p.P1295H variant (also known as c.3884C>A), located in coding exon 9 of the MSH6 gene, results from a C to A substitution at nucleotide position 3884. The proline at codon 1295 is replaced by histidine, an amino acid with similar properties. This amino acid position is highly conserved in available vertebrate species. In addition, this alteration is predicted to be deleterious by in silico analysis. In addition, the CoDP in silico tool predicts this alteration to have minor impact on molecular function, with a score of 0.384 (Terui H et al. J. Biomed. Sci. 2013;20:25). Since supporting evidence is limited at this time, the clinical significance of this alteration remains unclear.

NM_000179.3(MSH6):c.3884C>A (p.Pro1295His)

Gene: MSH6 (mutS homolog 6; plus strand). Cytogenetic location: 2p16.3.
Variant type: single nucleotide variant.
Coding change: c.3884C>A on transcript NM_000179.3 (MANE Select); coding-DNA position 3884, C replaced by A.
Protein change: p.Pro1295His; replaces proline 1295 with histidine.
Molecular consequence: missense variant.
Genome position (GRCh38, 1-based): chr2:47,806,534, C>A. VCF-style: chr2-47806534-C-A. GRCh37 (hg19) VCF-style: chr2-48033673-C-A.
Other names: c.3494C>A, p.Pro1165His (NM_001281492.2); c.2978C>A, p.Pro993His (NM_001281493.2, NM_001281494.2); short protein forms P1295H, P993H, P1165H.
Identifiers: ClinVar variation 483819 (VCV000483819.5), dbSNP rs758181932, ClinGen allele CA346761384.